The following is an entry in ClinVar:

ClinVar aggregate classification (germline): Uncertain significance. Review status: criteria provided, multiple submitters, no conflicts (2 of 4 stars). 4 submissions from 4 submitters: Uncertain significance (4). Last evaluated 2025-12-10.

Conditions:
Endometrial carcinoma. Also called: Endometrial carcinoma, somatic. Identifiers: MedGen C0476089, MONDO:0002447, OMIM 608089, HP:0012114.
Hereditary cancer-predisposing syndrome. Also called: Tumor predisposition; Hereditary neoplastic syndrome; Neoplastic Syndromes, Hereditary; Hereditary Cancer Syndrome. Identifiers: Orphanet 140162, MedGen C0027672, MeSH D009386, MONDO:0015356.

Allele frequency attached by ClinVar (database versions not stated): TOPMed below 0.00001; ExAC 0.00001; gnomAD 0.00001; gnomAD exomes 0.00001.
gnomAD v4.1: 9 of 1,611,386 alleles (0.00056%); highest among the groups gnomAD compares: South Asian, 0.0022%; no homozygotes.

Submissions (4):

Ambry Genetics
Classification: Uncertain significance for Hereditary cancer-predisposing syndrome. Last evaluated: 2025-12-10. Review status: criteria provided, single submitter. Criteria: Ambry Variant Classification Scheme 2023. Collection method: clinical testing. Allele origin: germline.
Comment: The p.R268Q variant (also known as c.803G>A), located in coding exon 5 of the MSH3 gene, results from a G to A substitution at nucleotide position 803. The arginine at codon 268 is replaced by glutamine, an amino acid with highly similar properties. This amino acid position is well conserved in available vertebrate species. In addition, the in silico prediction for this alteration is inconclusive. Based on the available evidence, the clinical significance of this variant remains unclear.

Labcorp Genetics (formerly Invitae), Labcorp
Classification: Uncertain significance. Last evaluated: 2025-11-26. Review status: criteria provided, single submitter. Criteria: Invitae Variant Classification Sherloc (09022015). Collection method: clinical testing. Allele origin: germline.
Comment: This sequence change replaces arginine, which is basic and polar, with glutamine, which is neutral and polar, at codon 268 of the MSH3 protein (p.Arg268Gln). This variant is present in population databases (rs760032154, gnomAD 0.006%). This variant has not been reported in the literature in individuals affected with MSH3-related conditions. ClinVar contains an entry for this variant (Variation ID: 859952). An algorithm developed to predict the effect of missense changes on protein structure and function outputs the following: PolyPhen-2: "Possibly Damaging". The glutamine amino acid residue is found in multiple mammalian species, which suggests that this missense change does not adversely affect protein function. In summary, the available evidence is currently insufficient to determine the role of this variant in disease. Therefore, it has been classified as a Variant of Uncertain Significance.

Baylor Genetics
Classification: Uncertain significance for Endometrial carcinoma. Last evaluated: 2024-01-19. Review status: criteria provided, single submitter. Criteria: ACMG Guidelines, 2015. Collection method: clinical testing. Allele origin: unknown.

GeneDx
Classification: Uncertain significance. Last evaluated: 2022-05-19. Review status: criteria provided, single submitter. Criteria: GeneDx Variant Classification Process June 2021. Collection method: clinical testing. Allele origin: germline. Affected: yes.
Comment: Not observed at significant frequency in large population cohorts (gnomAD); In silico analysis supports that this missense variant does not alter protein structure/function; Has not been previously published as pathogenic or benign to our knowledge

NM_002439.5(MSH3):c.803G>A (p.Arg268Gln)

Gene: MSH3 (mutS homolog 3; plus strand). Cytogenetic location: 5q14.1.
Variant type: single nucleotide variant.
Coding change: c.803G>A on transcript NM_002439.5 (MANE Select); coding-DNA position 803, G replaced by A.
Protein change: p.Arg268Gln; replaces arginine 268 with glutamine.
Molecular consequence: missense variant.
Genome position (GRCh38, 1-based): chr5:80,672,254, G>A. VCF-style: chr5-80672254-G-A. GRCh37 (hg19) VCF-style: chr5-79968073-G-A.
Other names: short protein forms R268Q.
Identifiers: ClinVar variation 859952 (VCV000859952.15), dbSNP rs760032154, ClinGen allele CA3327721.